The following is an entry in ClinVar:

NM_001080449.3(DNA2):c.2209-12_2209-4del

Gene: DNA2 (DNA replication helicase/nuclease 2; minus strand). Cytogenetic location: 10q21.3.
Variant type: Deletion.
Coding change: c.2209-12_2209-4del on transcript NM_001080449.3 (MANE Select); 12 bases into the intron before coding-DNA position 2209 through 4 bases into the intron before coding-DNA position 2209, 9 bases deleted (CCTTGTTTT; older notation c.2209-12_2209-4delCCTTGTTTT).
Molecular consequence: intron variant.
Genome position (GRCh38, 1-based): chr10:68,422,894-68,422,902, AAAACAAGG deleted on the plus strand (CCTTGTTTT on the coding strand, the reverse complement: DNA2 is on the minus strand); deleting any 9 consecutive bases within chr10:68,422,894-68,422,908 gives the same sequence; the c. name uses the placement nearest the transcript's 3' end. VCF-style (leftmost placement, unchanged base first): chr10-68422893-AAAAACAAGG-A. GRCh37 (hg19) VCF-style: chr10-70182650-AAAAACAAGG-A.
Identifiers: ClinVar variation 1307048 (VCV001307048.2), dbSNP rs2133363015, ClinGen allele CA2573053285.

ClinVar aggregate classification (germline): Uncertain significance (1 of 4 stars; one submission).

Submission:

GeneDx
Classification: Uncertain significance. Last evaluated: 2019-07-29. Review status: criteria provided, single submitter. Criteria: GeneDx Variant Classification Process June 2021. Collection method: clinical testing. Allele origin: germline. Affected: yes.
Comment: Has not been previously published as pathogenic or benign to our knowledge; Not observed in large population cohorts (Lek et al., 2016); Two of the three in-silico analysis, which includes splice predictors and evolutionary conservation, predict the natural splice acceptor site of intron 14 is destroyed or damaged. However, in the absence of RNA/functional studies, the actual effect of this sequence change is unknown.